The following is an entry in ClinVar:

ClinVar aggregate classification (germline): Uncertain significance (1 of 4 stars; one submission).

Submission:

CeGaT Center for Human Genetics Tuebingen
Classification: Uncertain significance. Last evaluated: 2025-07-01. Review status: criteria provided, single submitter. Criteria: CeGaT Center For Human Genetics Tuebingen Variant Classification Criteria Version 2. Collection method: clinical testing. Allele origin: germline. Affected: yes. Observed: 1 variant allele.
Comment: LRRK2: PM2, BP4

NM_198578.4(LRRK2):c.5308T>G (p.Cys1770Gly)

Gene: LRRK2 (leucine rich repeat kinase 2; plus strand). Cytogenetic location: 12q12.
Variant type: single nucleotide variant.
Coding change: c.5308T>G on transcript NM_198578.4 (MANE Select); coding-DNA position 5308, T replaced by G.
Protein change: p.Cys1770Gly; replaces cysteine 1770 with glycine.
Molecular consequence: missense variant.
Genome position (GRCh38, 1-based): chr12:40,322,172, T>G. VCF-style: chr12-40322172-T-G. GRCh37 (hg19) VCF-style: chr12-40715974-T-G.
Other names: short protein forms C1770G.
Identifiers: ClinVar variation 4085475 (VCV004085475.8).
Genomic context (GRCh38, chr12:40,322,172, plus strand): 5'-GTAGGATCTGAAGTCTTAGACAATCATCCAGAGAGTTTCTTAAAAATTACAGTTCCTTCT[T>G]GTAGAAAAGGTAAGGAAATCAATTTGAATGTTTTCAATTGCAACACTAAAGAAATTTAAA-3'
Protein context (NP_940980.4, residues 1760-1780): ESFLKITVPS[Cys1770Gly]RKGCILLGQV